The following is an entry in ClinVar:

NM_001127644.2(GABRA1):c.1181C>T (p.Thr394Ile)

Gene: GABRA1 (gamma-aminobutyric acid type A receptor subunit alpha1; plus strand). Cytogenetic location: 5q34.
Variant type: single nucleotide variant.
Coding change: c.1181C>T on transcript NM_001127644.2 (MANE Select); coding-DNA position 1181, C replaced by T.
Protein change: p.Thr394Ile; replaces threonine 394 with isoleucine.
Molecular consequence: missense variant.
Genome position (GRCh38, 1-based): chr5:161,897,232, C>T. VCF-style: chr5-161897232-C-T. GRCh37 (hg19) VCF-style: chr5-161324238-C-T.
Other names: c.1181C>T, p.Thr394Ile (NM_000806.5, NM_001127643.2, NM_001127645.2 and 1 more transcripts); short protein forms T394I.
Identifiers: ClinVar variation 3339177 (VCV003339177.3).
Genomic context (GRCh38, chr5:161,897,232, plus strand): 5'-GCTACACCCCTAATTTGGCCAGGGGCGACCCGGGCTTAGCCACCATTGCTAAAAGTGCAA[C>T]CATAGAACCTAAAGAGGTCAAGCCCGAAACAAAACCACCAGAACCCAAGAAAACCTTTAA-3'
Protein context (NP_001121116.1, residues 384-404): PGLATIAKSA[Thr394Ile]IEPKEVKPET

ClinVar aggregate classification (germline): Uncertain significance. Review status: criteria provided, multiple submitters, no conflicts (2 of 4 stars). 2 submissions from 2 submitters: Uncertain significance (2). Last evaluated 2024-08-05.

Conditions:
Epilepsy, childhood absence 4 (ECA4). Also called: EPILEPSY, CHILDHOOD ABSENCE, SUSCEPTIBILITY TO, 4. Identifiers: Orphanet 307, MedGen C1970160.
Idiopathic generalized epilepsy. Also called: EIG; Generalised epilepsy. Identifiers: MedGen C0270850, MONDO:0005579, OMIM 600669.
Epilepsy, idiopathic generalized, susceptibility to, 13. Also called: EPILEPSY, JUVENILE MYOCLONIC, SUSCEPTIBILITY TO, 5. Identifiers: Orphanet 307, Orphanet 64280, MedGen C4013473, MONDO:0012627, OMIM 611136.

gnomAD v4.1: 1 of 1,614,142 alleles (0.000062%); highest among the groups gnomAD compares: Non-Finnish European, 0.000085%; no homozygotes.

Submissions (2):

Labcorp Genetics (formerly Invitae), Labcorp
Classification: Uncertain significance for Epilepsy, childhood absence 4; Epilepsy, idiopathic generalized, susceptibility to, 13; Idiopathic generalized epilepsy. Last evaluated: 2024-08-05. Review status: criteria provided, single submitter. Criteria: Invitae Variant Classification Sherloc (09022015). Collection method: clinical testing. Allele origin: germline.
Comment: This sequence change replaces threonine, which is neutral and polar, with isoleucine, which is neutral and non-polar, at codon 394 of the GABRA1 protein (p.Thr394Ile). This variant is not present in population databases (gnomAD no frequency). This variant has not been reported in the literature in individuals affected with GABRA1-related conditions. Advanced modeling of protein sequence and biophysical properties (such as structural, functional, and spatial information, amino acid conservation, physicochemical variation, residue mobility, and thermodynamic stability) has been performed at Invitae for this missense variant, however the output from this modeling did not meet the statistical confidence thresholds required to predict the impact of this variant on GABRA1 protein function. In summary, the available evidence is currently insufficient to determine the role of this variant in disease. Therefore, it has been classified as a Variant of Uncertain Significance.

Women's Health and Genetics/Laboratory Corporation of America, LabCorp
Classification: Uncertain significance. Last evaluated: 2024-07-02. Review status: criteria provided, single submitter. Criteria: LabCorp Variant Classification Summary - May 2015. Collection method: clinical testing. Allele origin: germline.
Comment: Variant summary: GABRA1 c.1181C>T (p.Thr394Ile) results in a non-conservative amino acid change located in the transmembrane domain (IPR047024) of the encoded protein sequence. Three of five in-silico tools predict a benign effect of the variant on protein function. The variant was absent in 251146 control chromosomes (gnomAD v2.1). The available data on variant occurrences in the general population are insufficient to allow any conclusion about variant significance. To our knowledge, no occurrence of c.1181C>T in individuals affected with Developmental And Epileptic Encephalopathy, 19 and no experimental evidence demonstrating its impact on protein function have been reported. No submitters have cited clinical-significance assessments for this variant to ClinVar. Based on the evidence outlined above, the variant was classified as uncertain significance.